The following is an entry in ClinVar:

NM_198253.3(TERT):c.2459T>G (p.Ile820Ser)

Gene: TERT (telomerase reverse transcriptase; minus strand). Cytogenetic location: 5p15.33.
Variant type: single nucleotide variant.
Coding change: c.2459T>G on transcript NM_198253.3 (MANE Select); coding-DNA position 2459, T replaced by G.
Protein change: p.Ile820Ser; replaces isoleucine 820 with serine.
Molecular consequence: missense variant.
Genome position (GRCh38, 1-based): chr5:1,271,128, A>C on the plus strand (T>G on the coding strand, the complement: TERT is on the minus strand). VCF-style: chr5-1271128-A-C. GRCh37 (hg19) VCF-style: chr5-1271243-A-C.
Other names: c.2459T>G, p.Ile820Ser (NM_001193376.3, NM_003219.1); short protein forms I820S.
Identifiers: ClinVar variation 2952911 (VCV002952911.3), dbSNP rs2478199819, ClinGen allele CA359075671.
Genomic context (GRCh38, chr5:1,271,128, plus strand): 5'-CCAGCCCGCCCAGCCACCCGCAGGGCAATGGCACCTGGCCACCTGACTCACTTGCCCCTG[A>C]TGCGCACGGCGTGGTGGCACATGAAGCGTAGGAAGACGTCGAAGAGGCCACTGCTGGCCT-3'
Protein context (NP_937983.2, residues 810-830): LRFMCHHAVR[Ile820Ser]RGKSYVQCQG

ClinVar aggregate classification (germline): Uncertain significance (1 of 4 stars; one submission).

Conditions:
Dyskeratosis congenita, autosomal dominant 2. Identifiers: MedGen C3151443, MONDO:0013521, OMIM 613989.
Idiopathic Pulmonary Fibrosis. Also called: Idiopathic fibrosing alveolitis, chronic form; idiopathic fibrosing alveolitis. Identifiers: Orphanet 2032, MedGen C1800706, MeSH D054990, MONDO:0800504.

Submission:

Labcorp Genetics (formerly Invitae), Labcorp
Classification: Uncertain significance for Dyskeratosis congenita, autosomal dominant 2; Idiopathic Pulmonary Fibrosis. Last evaluated: 2023-10-15. Review status: criteria provided, single submitter. Criteria: Invitae Variant Classification Sherloc (09022015). Collection method: clinical testing. Allele origin: germline.
Comment: This sequence change replaces isoleucine, which is neutral and non-polar, with serine, which is neutral and polar, at codon 820 of the TERT protein (p.Ile820Ser). This variant is not present in population databases (gnomAD no frequency). This variant has not been reported in the literature in individuals affected with TERT-related conditions. Advanced modeling of protein sequence and biophysical properties (such as structural, functional, and spatial information, amino acid conservation, physicochemical variation, residue mobility, and thermodynamic stability) performed at Invitae indicates that this missense variant is expected to disrupt TERT protein function. In summary, the available evidence is currently insufficient to determine the role of this variant in disease. Therefore, it has been classified as a Variant of Uncertain Significance.